The following is an entry in ClinVar:

NM_003823.4(TNFRSF6B):c.406G>A (p.Ala136Thr)

Genes: TNFRSF6B (TNF receptor superfamily member 6b; plus strand), RTEL1-TNFRSF6B (RTEL1-TNFRSF6B readthrough (NMD candidate); plus strand). Cytogenetic location: 20q13.33.
Variant type: single nucleotide variant.
Coding change: c.406G>A on transcript NM_003823.4 (MANE Select); coding-DNA position 406, G replaced by A.
Protein change: p.Ala136Thr; replaces alanine 136 with threonine.
Molecular consequence: missense variant. On other transcripts: non-coding transcript variant (1).
Genome position (GRCh38, 1-based): chr20:63,697,173, G>A. VCF-style: chr20-63697173-G-A. GRCh37 (hg19) VCF-style: chr20-62328526-G-A.
Other names: short protein forms A136T.
Identifiers: ClinVar variation 1997697 (VCV001997697.4), dbSNP rs2090999841, ClinGen allele CA409711376.

ClinVar aggregate classification (germline): Uncertain significance (1 of 4 stars; one submission).

Submission:

Labcorp Genetics (formerly Invitae), Labcorp
Classification: Uncertain significance. Last evaluated: 2023-08-17. Review status: criteria provided, single submitter. Criteria: Invitae Variant Classification Sherloc (09022015). Collection method: clinical testing. Allele origin: germline.
Comment: This variant has not been reported in the literature in individuals affected with TNFRSF6B-related conditions. In summary, the available evidence is currently insufficient to determine the role of this variant in disease. Therefore, it has been classified as a Variant of Uncertain Significance. Algorithms developed to predict the effect of sequence changes on RNA splicing suggest that this variant may create or strengthen a splice site. Algorithms developed to predict the effect of missense changes on protein structure and function output the following: SIFT: "Not Available"; PolyPhen-2: "Benign"; Align-GVGD: "Not Available". The threonine amino acid residue is found in multiple mammalian species, which suggests that this missense change does not adversely affect protein function. ClinVar contains an entry for this variant (Variation ID: 1997697). This variant is not present in population databases (gnomAD no frequency). This sequence change replaces alanine, which is neutral and non-polar, with threonine, which is neutral and polar, at codon 136 of the TNFRSF6B protein (p.Ala136Thr).